The following is an entry in ClinVar:

ClinVar aggregate classification (germline): Likely benign (1 of 4 stars; one submission).

Allele frequency attached by ClinVar (database versions not stated): gnomAD 0.01300 and 0.01396; TOPMed 0.01516; 1000 Genomes Project 0.01637; 1000 Genomes Project 30x 0.01686.
gnomAD v4.1: 1,960 of 152,228 alleles (1.3%); highest among the groups gnomAD compares: African/African-American, 4.4%; 52 homozygotes.

Submission:

GeneDx
Classification: Likely benign. Last evaluated: 2018-06-18. Review status: criteria provided, single submitter. Criteria: GeneDx Variant Classification (06012015). Collection method: clinical testing. Allele origin: germline. Affected: yes.
Comment: This variant is considered likely benign or benign based on one or more of the following criteria: it is a conservative change, it occurs at a poorly conserved position in the protein, it is predicted to be benign by multiple in silico algorithms, and/or has population frequency not consistent with disease.

NM_000051.4(ATM):c.1803-154G>A

Gene: ATM (ATM serine/threonine kinase; plus strand). Cytogenetic location: 11q22.3.
Variant type: single nucleotide variant.
Coding change: c.1803-154G>A on transcript NM_000051.4 (MANE Select); 154 bases into the intron before coding-DNA position 1803, G replaced by A.
Molecular consequence: intron variant.
Genome position (GRCh38, 1-based): chr11:108,252,663, G>A. VCF-style: chr11-108252663-G-A. GRCh37 (hg19) VCF-style: chr11-108123390-G-A.
Other names: c.1803-154G>A (NM_001351834.2).
Identifiers: ClinVar variation 678199 (VCV000678199.1), dbSNP rs55760417, ClinGen allele CA228392385.
Genomic context (GRCh38, chr11:108,252,663, plus strand): 5'-TTTCTAAACAGTATTGGAAATGATAATAACAATGGTTGTCCTCCTTAAATTGTCCTTTTA[G>A]ATATTAAGAAATTTAGTATAGATGAAAGCAATTTTAATCTAGGATCCAAATTTTAGAAGT-3'